The following is an entry in ClinVar:

NM_001378615.1(CC2D2A):c.177C>T (p.Asn59=)

Genes: CC2D2A (coiled-coil and C2 domain containing 2A; plus strand), FBXL5 (F-box and leucine rich repeat protein 5; minus strand). Cytogenetic location: 4p15.32.
Variant type: single nucleotide variant.
Coding change: c.177C>T on transcript NM_001378615.1 (MANE Select); coding-DNA position 177, C replaced by T.
Protein change: p.Asn59=; no amino-acid change (asparagine 59 retained).
Molecular consequence: synonymous variant. On other transcripts: missense variant (1).
Genome position (GRCh38, 1-based): chr4:15,480,757, C>T. VCF-style: chr4-15480757-C-T. GRCh37 (hg19) VCF-style: chr4-15482381-C-T.
Other names: c.30C>T, p.Asn10= (NM_001378617.1); c.283C>T, p.Pro95Ser (NM_020785.2); c.177C>T, p.Asn59= (NM_001080522.2, NM_001164720.3); short protein forms P95S.
Identifiers: ClinVar variation 1049413 (VCV001049413.10), dbSNP rs1001847837, ClinGen allele CA92517308.
Genomic context (GRCh38, chr4:15,480,757, plus strand): 5'-CCTCCAGCCACCAACTGCTGTCCCCAAGGAAATGGTGTCCGAAAAATCCCACCTTGGCAA[C>T]CCCCAGGAGCCTGTGCAGGAGGAGCCCAAGACCCGCCTCCTGAGTATGACAGTCCGGAGA-3'
Protein context (NP_001365544.1, residues 49-69): EMVSEKSHLG[Asn59=]PQEPVQEEPK

ClinVar aggregate classification (germline): Likely benign. Review status: criteria provided, single submitter (1 of 4 stars). 2 submissions from 2 submitters: Likely benign (1). 1 of the submissions does not count toward it. Last evaluated 2024-09-03.

Conditions:
Joubert syndrome. Also called: JOUBERT-BOLTSHAUSER SYNDROME; Familial aplasia of the vermis. Identifiers: Orphanet 475, MedGen C5979921, MONDO:0018772.
Meckel-Gruber syndrome. Also called: Dysencephalia splachnocystica; DYSENCEPHALIA SPLANCHNOCYSTICA; GRUBER SYNDROME. Identifiers: Orphanet 564, MedGen C0265215, MONDO:0018921.

Allele frequency attached by ClinVar (database versions not stated): gnomAD 0.00001; gnomAD exomes 0.00001; TOPMed 0.00001.
gnomAD v4.1: 8 of 1,612,770 alleles (0.0005%); highest among the groups gnomAD compares: African/African-American, 0.0027%; no homozygotes.

Submissions (2):

Labcorp Genetics (formerly Invitae), Labcorp
Classification: Likely benign for Joubert syndrome; Meckel-Gruber syndrome. Last evaluated: 2024-09-03. Review status: criteria provided, single submitter. Criteria: Invitae Variant Classification Sherloc (09022015). Collection method: clinical testing. Allele origin: germline.

Department of Pathology and Laboratory Medicine, Sinai Health System
Classification: Uncertain significance. Review status: no assertion criteria provided. Collection method: clinical testing. Allele origin: unknown. Affected: yes. Study: The Canadian Open Genetics Repository (COGR). Not counted in ClinVar's aggregate classification.
Comment: The CC2D2A p.Pro95Ser variant was not identified in the literature nor was it identified in ClinVar, Cosmic or LOVD 3.0. The variant was identified in dbSNP (ID: rs1001847837) but was not identified in the following control databases: the 1000 Genomes Project, the NHLBI GO Exome Sequencing Project, the Exome Aggregation Consortium (August 8th 2016), or the Genome Aggregation Database (Feb 27, 2017). The variant occurs outside of the splicing consensus sequence and in silico or computational prediction software programs (SpliceSiteFinder, MaxEntScan, NNSPLICE, and GeneSplicer) do not predict a difference in splicing. The p.Pro95 residue is conserved in mammals but not in more distantly related species and computational analyses (PolyPhen-2, SIFT, AlignGVGD, BLOSUM, and MutationTaster) provide inconsistent predictions regarding the impact to the protein; this information is not very predictive of pathogenicity. In summary, based on the above information the clinical significance of this variant cannot be determined with certainty at this time. This variant is classified as a variant of uncertain significance.